The following is an entry in ClinVar:

ClinVar aggregate classification (germline): Uncertain significance (1 of 4 stars; one submission).

Conditions:
Idiopathic generalized epilepsy. Also called: Generalised epilepsy; EIG. Identifiers: MedGen C0270850, MONDO:0005579, OMIM 600669.
Hyperaldosteronism, familial, type IV (HALD4). Also called: FH IV; ALDOSTERONISM, PRIMARY, AND HYPERTENSION. Identifiers: MONDO:0014875, OMIM 617027, Orphanet 642671, MedGen C4310756.

Allele frequency attached by ClinVar (database versions not stated): gnomAD 0.00001; TOPMed 0.00001.
gnomAD v4.1: 22 of 1,613,216 alleles (0.0014%); highest among the groups gnomAD compares: Non-Finnish European, 0.0018%; no homozygotes.

Submission:

Labcorp Genetics (formerly Invitae), Labcorp
Classification: Uncertain significance for Idiopathic generalized epilepsy; Hyperaldosteronism, familial, type IV. Last evaluated: 2024-12-17. Review status: criteria provided, single submitter. Criteria: Invitae Variant Classification Sherloc (09022015). Collection method: clinical testing. Allele origin: germline.
Comment: This sequence change replaces isoleucine, which is neutral and non-polar, with valine, which is neutral and non-polar, at codon 243 of the CACNA1H protein (p.Ile243Val). This variant is not present in population databases (gnomAD no frequency). This missense change has been observed in individual(s) with epilepsy (PMID: 34098317). ClinVar contains an entry for this variant (Variation ID: 938934). Invitae Evidence Modeling of protein sequence and biophysical properties (such as structural, functional, and spatial information, amino acid conservation, physicochemical variation, residue mobility, and thermodynamic stability) indicates that this missense variant is not expected to disrupt CACNA1H protein function with a negative predictive value of 80%. In summary, the available evidence is currently insufficient to determine the role of this variant in disease. Therefore, it has been classified as a Variant of Uncertain Significance.

Literature cited by the submitters: PubMed 34098317.

NM_021098.3(CACNA1H):c.727A>G (p.Ile243Val)

Gene: CACNA1H (calcium voltage-gated channel subunit alpha1 H; plus strand). Cytogenetic location: 16p13.3.
Variant type: single nucleotide variant.
Coding change: c.727A>G on transcript NM_021098.3 (MANE Select); coding-DNA position 727, A replaced by G.
Protein change: p.Ile243Val; replaces isoleucine 243 with valine.
Molecular consequence: missense variant.
Genome position (GRCh38, 1-based): chr16:1,198,698, A>G. VCF-style: chr16-1198698-A-G. GRCh37 (hg19) VCF-style: chr16-1248698-A-G.
Other names: c.727A>G, p.Ile243Val (NM_001005407.2); short protein forms I243V.
Identifiers: ClinVar variation 938934 (VCV000938934.9), dbSNP rs776274017, ClinGen allele CA394155020.
Genomic context (GRCh38, chr16:1,198,698, plus strand): 5'-CTGCTGGATACGCTGCCCATGCTCGGGAACGTCCTTCTGCTGTGCTTCTTCGTCTTCTTC[A>G]TTTTCGGCATCGTTGGCGTCCAGCTCTGGGCTGGCCTCCTGCGGAACCGCTGCTTCCTGG-3'
Protein context (NP_066921.2, residues 233-253): VLLLCFFVFF[Ile243Val]FGIVGVQLWA